The following is an entry in ClinVar:

NM_000343.4(SLC5A1):c.*400C>T

Gene: SLC5A1 (solute carrier family 5 member 1; plus strand). Cytogenetic location: 22q12.3.
Variant type: single nucleotide variant.
Coding change: c.*400C>T on transcript NM_000343.4 (MANE Select); 400 bases downstream of the stop codon, C replaced by T.
Molecular consequence: 3 prime UTR variant.
Genome position (GRCh38, 1-based): chr22:32,110,613, C>T. VCF-style: chr22-32110613-C-T. GRCh37 (hg19) VCF-style: chr22-32506600-C-T.
Other names: c.*400C>T (NM_001256314.2).
Identifiers: ClinVar variation 341270 (VCV000341270.5), dbSNP rs117362976, ClinGen allele CA10654037.

ClinVar aggregate classification (germline): Benign (1 of 4 stars; one submission).

Conditions:
Congenital glucose-galactose malabsorption (GGM). Also called: MONOSACCHARIDE MALABSORPTION; DIARRHEA 16. Identifiers: Orphanet 35710, MedGen C0268186, MONDO:0011731, OMIM 606824.

Allele frequency attached by ClinVar (database versions not stated): gnomAD 0.00052 and 0.00083; TOPMed 0.00083; gnomAD exomes 0.00090; 1000 Genomes Project 30x 0.00375; 1000 Genomes Project 0.00419.

Submission:

Illumina Laboratory Services, Illumina
Classification: Benign for Congenital glucose-galactose malabsorption. Last evaluated: 2018-01-12. Review status: criteria provided, single submitter. Criteria: ICSL Variant Classification Criteria 13 December 2019. Collection method: clinical testing. Allele origin: germline.
Comment: This variant was observed in the ICSL laboratory as part of a predisposition screen in an ostensibly healthy population. It had not been previously curated by ICSL or reported in the Human Gene Mutation Database (HGMD: prior to June 1st, 2018), and was therefore a candidate for classification through an automated scoring system. Utilizing variant allele frequency, disease prevalence and penetrance estimates, and inheritance mode, an automated score was calculated to assess if this variant is too frequent to cause the disease. Based on the score and internal cut-off values, a variant classified as benign is not then subjected to further curation. The score for this variant resulted in a classification of benign for this disease.